The following is an entry in ClinVar:

NM_014270.5(SLC7A9):c.604+10G>A

Gene: SLC7A9 (solute carrier family 7 member 9; minus strand). Cytogenetic location: 19q13.11.
Variant type: single nucleotide variant.
Coding change: c.604+10G>A on transcript NM_014270.5 (MANE Select); 10 bases into the intron after coding-DNA position 604, G replaced by A.
Molecular consequence: intron variant.
Genome position (GRCh38, 1-based): chr19:32,862,451, C>T on the plus strand (G>A on the coding strand, the complement: SLC7A9 is on the minus strand). VCF-style: chr19-32862451-C-T. GRCh37 (hg19) VCF-style: chr19-33353357-C-T.
Other names: p.?; c.604+10G>A (NM_001126335.2, NM_001243036.2).
Identifiers: ClinVar variation 328756 (VCV000328756.17), dbSNP rs11084672, ClinGen allele CA9358771.

ClinVar aggregate classification (germline): Benign. Review status: criteria provided, multiple submitters, no conflicts (2 of 4 stars). 6 submissions from 6 submitters: Benign (6). Last evaluated 2026-03-03.

Conditions:
Cystinuria (CSNU). Also called: Cystinuria, non-type I; CYSTINURIA, TYPE I; CYSTINURIA, TYPE II; CYSTINURIA, TYPE III. Identifiers: Orphanet 214, MedGen C0010691, MONDO:0009067, OMIM 220100, HP:0003131.

Allele frequency attached by ClinVar (database versions not stated): 1000 Genomes Project 30x 0.07121; 1000 Genomes Project 0.07228; TOPMed 0.09716; gnomAD 0.09826 and 0.09952; ESP Exome Variant Server 0.10495; ExAC 0.10641; gnomAD exomes 0.10834 and 0.13114.
gnomAD v4.1: 206,365 of 1,612,390 alleles (13%); highest among the groups gnomAD compares: Middle Eastern, 15%; 14,373 homozygotes.

Submissions (6):

Women's Health and Genetics/Laboratory Corporation of America, LabCorp
Classification: Benign. Last evaluated: 2026-03-03. Review status: criteria provided, single submitter. Criteria: LabCorp Variant Classification Summary - May 2015. Collection method: clinical testing. Allele origin: germline.

Labcorp Genetics (formerly Invitae), Labcorp
Classification: Benign. Last evaluated: 2026-02-04. Review status: criteria provided, single submitter. Criteria: Invitae Variant Classification Sherloc (09022015). Collection method: clinical testing. Allele origin: germline.

Blueprint Genetics
Classification: Benign. Last evaluated: 2024-11-28. Review status: criteria provided, single submitter. Criteria: ACMG Guidelines, 2015. Collection method: clinical testing. Allele origin: germline.

Mayo Clinic Laboratories, Mayo Clinic
Classification: Benign. Last evaluated: 2022-03-09. Review status: criteria provided, single submitter. Criteria: ACMG Guidelines, 2015. Collection method: clinical testing. Allele origin: germline. Observed: 56 variant alleles.

Illumina Laboratory Services, Illumina
Classification: Benign for Cystinuria. Last evaluated: 2018-01-13. Review status: criteria provided, single submitter. Criteria: ICSL Variant Classification Criteria 13 December 2019. Collection method: clinical testing. Allele origin: germline.
Comment: This variant was observed in the ICSL laboratory as part of a predisposition screen in an ostensibly healthy population. It had not been previously curated by ICSL or reported in the Human Gene Mutation Database (HGMD: prior to June 1st, 2018), and was therefore a candidate for classification through an automated scoring system. Utilizing variant allele frequency, disease prevalence and penetrance estimates, and inheritance mode, an automated score was calculated to assess if this variant is too frequent to cause the disease. Based on the score and internal cut-off values, a variant classified as benign is not then subjected to further curation. The score for this variant resulted in a classification of benign for this disease.

Breakthrough Genomics
Classification: Benign. Review status: criteria provided, single submitter. Criteria: ACMG Guidelines, 2015. Collection method: not provided. Allele origin: germline. Inheritance: Autosomal dominant inheritance. Affected: yes.